The following is an entry in ClinVar:

NM_001378609.3(OTOGL):c.975del (p.Leu325fs)

Gene: OTOGL (otogelin like; plus strand). Cytogenetic location: 12q21.31.
Variant type: Deletion.
Coding change: c.975del on transcript NM_001378609.3 (MANE Select); coding-DNA position 975, one base deleted (G; older notation c.975delG).
Protein change: p.Leu325fs; shifts the reading frame from leucine 325.
Molecular consequence: frameshift variant.
Genome position (GRCh38, 1-based): chr12:80,239,362, G deleted. VCF-style (leftmost placement, unchanged base first): chr12-80239361-TG-T. GRCh37 (hg19) VCF-style: chr12-80633141-TG-T.
Other names: c.975del, p.Leu325fs (NM_001368062.3, NM_001378610.3, NM_173591.7); c.948delG (NM_173591.3); short protein forms L325fs.
Identifiers: ClinVar variation 228385 (VCV000228385.14), dbSNP rs766753922, ClinGen allele CA6700335.

ClinVar aggregate classification (germline): Pathogenic/Likely pathogenic. Review status: criteria provided, multiple submitters, no conflicts (2 of 4 stars). 7 submissions from 7 submitters: Pathogenic (3); Likely pathogenic (3). 1 of the submissions does not count toward it. Last evaluated 2026-01-06.

Conditions:
OTOGL-related disorder. Also called: OTOGL-related condition.
Rare genetic deafness. Identifiers: Orphanet 96210, MedGen C5680250.
Meniere disease. Also called: Ménière's disease. Identifiers: MedGen C0025281, MONDO:0007972, OMIM 156000.
Autosomal recessive nonsyndromic hearing loss 84B. Also called: Deafness, autosomal recessive 84b. Identifiers: Orphanet 90636, MedGen C3554159, MONDO:0013984, OMIM 614944.

Allele frequency attached by ClinVar (database versions not stated): ExAC 0.00002; gnomAD exomes 0.00003 and 0.00005; gnomAD 0.00005; TOPMed 0.00005.

Submissions (7):

GeneDx
Classification: Likely pathogenic. Last evaluated: 2026-01-06. Review status: criteria provided, single submitter. Criteria: GeneDx Variant Classification Process June 2021. Collection method: clinical testing. Allele origin: germline. Affected: yes.
Comment: Frameshift variant predicted to result in protein truncation or nonsense mediated decay in a gene for which loss of function is a known mechanism of disease; This variant is associated with the following publications: (PMID: 31980526, 34733312)

PreventionGenetics, part of Exact Sciences
Classification: Likely pathogenic for OTOGL-related condition. Last evaluated: 2025-12-23. Review status: criteria provided, single submitter. Criteria: ACMG Guidelines, 2015. Collection method: clinical testing. Allele origin: germline.
Comment: The OTOGL c.948delG variant is predicted to result in a frameshift and premature protein termination (p.Leu316Phefs*6). This variant was reported in patients with hearing loss (Table 3, Hou et al. 2020. PubMed ID: 31980526; Booth et al. 2021. PubMed ID: 34733312). This variant is reported in 0.088% of alleles in individuals of Ashkenazi Jewish descent in gnomAD. Frameshift variants in OTOGL are expected to be pathogenic. This variant is interpreted as likely pathogenic.

Department of Pathology and Laboratory Medicine, Sinai Health System
Classification: Likely pathogenic for Autosomal recessive nonsyndromic hearing loss 84B. Last evaluated: 2023-08-17. Review status: criteria provided, single submitter. Criteria: ACMG Guidelines, 2015. Collection method: research. Allele origin: germline.

Fulgent Genetics
Classification: Pathogenic for Autosomal recessive nonsyndromic hearing loss 84B. Last evaluated: 2021-07-03. Review status: criteria provided, single submitter. Criteria: ACMG Guidelines, 2015. Collection method: clinical testing. Allele origin: unknown.

Blueprint Genetics
Classification: Pathogenic for OTOGL-related disorders. Last evaluated: 2020-03-02. Review status: criteria provided, single submitter. Criteria: ACMG Guidelines, 2015. Collection method: clinical testing. Allele origin: germline. Affected: yes. Observed: 1 variant allele.

Laboratory for Molecular Medicine, Mass General Brigham Personalized Medicine
Classification: Pathogenic for Rare genetic deafness. Last evaluated: 2019-09-13. Review status: criteria provided, single submitter. Criteria: ACMG Guidelines, 2015. Collection method: clinical testing. Allele origin: germline. Inheritance: Autosomal recessive inheritance.
Comment: The p.Leu316fs variant in OTOGL has been previously reported in two individuals with hearing loss by our laboratory who were compound heterozygous for a second pathogenic variant in OTOGL. This variant has been identified in 0.08% (9/10260) of Ashkenazi Jewish chromosomes by gnomAD. This variant is predicted to cause a frameshift, which alters the protein’s amino acid sequence beginning at position 316 and leads to a premature termination codon 6 amino acids downstream. This alteration is then predicted to lead to a truncated or absent protein. Loss of function of the OTOGL gene is an established disease mechanism in autosomal recessive hearing loss. In summary, this variant meets criteria to be classified as pathogenic for autosomal recessive nonsyndromic hearing loss. ACMG/AMP Criteria applied: PVS1, PM3_Strong.

Center for Computational Biology & Bioinformatics, University of California, San Diego
Classification: Uncertain significance for Meniere disease. Last evaluated: 2024-06-03. Review status: no assertion criteria provided. Collection method: research. Allele origin: germline. Affected: yes. Not counted in ClinVar's aggregate classification.